The following is an entry in ClinVar:

NM_001079.4(ZAP70):c.542C>G (p.Ala181Gly)

Gene: ZAP70 (zeta chain of T cell receptor associated protein kinase 70; plus strand). Cytogenetic location: 2q11.2.
Variant type: single nucleotide variant.
Coding change: c.542C>G on transcript NM_001079.4 (MANE Select); coding-DNA position 542, C replaced by G.
Protein change: p.Ala181Gly; replaces alanine 181 with glycine.
Molecular consequence: missense variant.
Genome position (GRCh38, 1-based): chr2:97,725,231, C>G. VCF-style: chr2-97725231-C-G. GRCh37 (hg19) VCF-style: chr2-98341694-C-G.
Other names: c.542C>G, p.Ala181Gly (NM_001378594.1); short protein forms A181G.
Identifiers: ClinVar variation 2082242 (VCV002082242.3), dbSNP rs749801885, ClinGen allele CA1790115.

ClinVar aggregate classification (germline): Uncertain significance (1 of 4 stars; one submission).

Conditions:
Combined immunodeficiency due to ZAP70 deficiency (IMD48). Also called: Immunodeficiency 48; ZAP70 Deficiency. Identifiers: Orphanet 911, MedGen C2931299, MONDO:0010023, OMIM 269840.

Allele frequency attached by ClinVar (database versions not stated): gnomAD 0.00003; ExAC 0.00005; TOPMed 0.00002.
gnomAD v4.1: 40 of 1,613,528 alleles (0.0025%); highest among the groups gnomAD compares: Non-Finnish European, 0.0033%; no homozygotes.

Submission:

Labcorp Genetics (formerly Invitae), Labcorp
Classification: Uncertain significance for Combined immunodeficiency due to ZAP70 deficiency. Last evaluated: 2022-05-03. Review status: criteria provided, single submitter. Criteria: Invitae Variant Classification Sherloc (09022015). Collection method: clinical testing. Allele origin: germline.
Comment: This sequence change replaces alanine, which is neutral and non-polar, with glycine, which is neutral and non-polar, at codon 181 of the ZAP70 protein (p.Ala181Gly). This variant is present in population databases (rs749801885, gnomAD 0.008%). In summary, the available evidence is currently insufficient to determine the role of this variant in disease. Therefore, it has been classified as a Variant of Uncertain Significance. Algorithms developed to predict the effect of sequence changes on RNA splicing suggest that this variant may disrupt the consensus splice site. Algorithms developed to predict the effect of missense changes on protein structure and function are either unavailable or do not agree on the potential impact of this missense change (SIFT: "Not Available"; PolyPhen-2: "Benign"; Align-GVGD: "Not Available"). This variant has not been reported in the literature in individuals affected with ZAP70-related conditions.